The following is an entry in ClinVar:

NM_017780.4(CHD7):c.4469T>C (p.Ile1490Thr)

Gene: CHD7 (chromodomain helicase DNA binding protein 7; plus strand). Cytogenetic location: 8q12.2.
Variant type: single nucleotide variant.
Coding change: c.4469T>C on transcript NM_017780.4 (MANE Select); coding-DNA position 4469, T replaced by C.
Protein change: p.Ile1490Thr; replaces isoleucine 1490 with threonine.
Molecular consequence: missense variant. On other transcripts: intron variant (1).
Genome position (GRCh38, 1-based): chr8:60,838,191, T>C. VCF-style: chr8-60838191-T-C. GRCh37 (hg19) VCF-style: chr8-61750750-T-C.
Other names: c.1717-24038T>C (NM_001316690.1); short protein forms I1490T.
Identifiers: ClinVar variation 1704922 (VCV001704922.2), dbSNP rs2487915591, ClinGen allele CA371318310.

ClinVar aggregate classification (germline): Uncertain significance (1 of 4 stars; one submission).

Allele frequency attached by ClinVar (database versions not stated): gnomAD exomes below 0.00001.

Submission:

GeneDx
Classification: Uncertain significance. Last evaluated: 2022-03-07. Review status: criteria provided, single submitter. Criteria: GeneDx Variant Classification Process June 2021. Collection method: clinical testing. Allele origin: germline. Affected: yes.
Comment: Not observed at significant frequency in large population cohorts (gnomAD); In silico analysis supports that this missense variant has a deleterious effect on protein structure/function; Has not been previously published as pathogenic or benign to our knowledge